The following is an entry in ClinVar:

NM_005228.5(EGFR):c.1763G>T (p.Gly588Val)

Gene: EGFR (epidermal growth factor receptor; plus strand). Cytogenetic location: 7p11.2.
Variant type: single nucleotide variant.
Coding change: c.1763G>T on transcript NM_005228.5 (MANE Select); coding-DNA position 1763, G replaced by T.
Protein change: p.Gly588Val; replaces glycine 588 with valine.
Molecular consequence: missense variant.
Genome position (GRCh38, 1-based): chr7:55,165,320, G>T. VCF-style: chr7-55165320-G-T. GRCh37 (hg19) VCF-style: chr7-55233013-G-T.
Other names: c.1628G>T, p.Gly543Val (NM_001346897.2, NM_001346899.2); c.1763G>T, p.Gly588Val (NM_001346898.2, NM_201282.2, NM_201284.2); c.1604G>T, p.Gly535Val (NM_001346900.2); c.962G>T, p.Gly321Val (NM_001346941.2); short protein forms G321V, G543V, G588V, G535V.
Identifiers: ClinVar variation 942601 (VCV000942601.9), dbSNP rs1785913191, ClinGen allele CA367580732.

ClinVar aggregate classification (germline): Uncertain significance (1 of 4 stars; one submission).

Conditions:
EGFR-related lung cancer (EGFR). Identifiers: MedGen CN130014.

Submission:

Labcorp Genetics (formerly Invitae), Labcorp
Classification: Uncertain significance for EGFR-related lung cancer. Last evaluated: 2019-08-31. Review status: criteria provided, single submitter. Criteria: Invitae Variant Classification Sherloc (09022015). Collection method: clinical testing. Allele origin: germline.
Comment: This sequence change replaces glycine with valine at codon 588 of the EGFR protein (p.Gly588Val). The glycine residue is highly conserved and there is a moderate physicochemical difference between glycine and valine. In summary, the available evidence is currently insufficient to determine the role of this variant in disease. Therefore, it has been classified as a Variant of Uncertain Significance. Algorithms developed to predict the effect of missense changes on protein structure and function are either unavailable or do not agree on the potential impact of this missense change (SIFT: "Tolerated"; PolyPhen-2: "Probably Damaging"; Align-GVGD: "Class C0"). This variant has not been reported in the literature in individuals with EGFR-related conditions. This variant is not present in population databases (ExAC no frequency).